The following is an entry in ClinVar:

ClinVar aggregate classification (germline): Pathogenic. Review status: reviewed by expert panel (3 of 4 stars). 8 submissions from 8 submitters: Pathogenic (1). 7 of the submissions do not count toward it. Last evaluated 2016-09-08.

Conditions:
Hereditary cancer-predisposing syndrome. Also called: Neoplastic Syndromes, Hereditary; Tumor predisposition; Hereditary neoplastic syndrome; Hereditary Cancer Syndrome. Identifiers: Orphanet 140162, MedGen C0027672, MeSH D009386, MONDO:0015356.
Hereditary breast ovarian cancer syndrome. Also called: Hereditary breast and ovarian cancer syndrome; Hereditary breast and ovarian cancer; Hereditary breast and ovarian cancer syndrome (HBOC); Breast and ovarian cancer; Hereditary breast and/or ovarian cancer syndrome; BRCA1- and BRCA2-Associated Hereditary Breast and Ovarian Cancer. Identifiers: Orphanet 145, MedGen C0677776, MeSH D061325, MONDO:0003582. Disease mechanism: loss of function.
Breast-ovarian cancer, familial, susceptibility to, 2 (BROVCA2). Also called: BRCA2 Hereditary Breast and Ovarian Cancer. Identifiers: Orphanet 145, MedGen C2675520, MONDO:0012933, OMIM 612555. Disease mechanism: loss of function.

Submissions (8):

Evidence-based Network for the Interpretation of Germline Mutant Alleles (ENIGMA)
Classification: Pathogenic for Breast-ovarian cancer, familial, susceptibility to, 2. Last evaluated: 2016-09-08. Review status: reviewed by expert panel. Criteria: ENIGMA BRCA1/2 Classification Criteria (2015). Collection method: curation. Allele origin: germline.
Comment: Variant allele predicted to encode a truncated non-functional protein.

Labcorp Genetics (formerly Invitae), Labcorp
Classification: Pathogenic for Hereditary breast ovarian cancer syndrome. Last evaluated: 2025-09-24. Review status: criteria provided, single submitter. Criteria: Invitae Variant Classification Sherloc (09022015). Collection method: clinical testing. Allele origin: germline. Not counted in ClinVar's aggregate classification.
Comment: This sequence change creates a premature translational stop signal (p.Ile2552Thrfs*95) in the BRCA2 gene. It is expected to result in an absent or disrupted protein product. Loss-of-function variants in BRCA2 are known to be pathogenic (PMID: 20104584). This variant is not present in population databases (gnomAD no frequency). This premature translational stop signal has been observed in individual(s) with personal or family history of breast and/or ovarian cancer (PMID: 30214756, 30702160, 32658311). ClinVar contains an entry for this variant (Variation ID: 52378). For these reasons, this variant has been classified as Pathogenic.

Ambry Genetics
Classification: Pathogenic for Hereditary cancer-predisposing syndrome. Last evaluated: 2024-04-01. Review status: criteria provided, single submitter. Criteria: Ambry Variant Classification Scheme 2023. Collection method: clinical testing. Allele origin: germline. Not counted in ClinVar's aggregate classification.
Comment: The c.7655_7658delTTAA pathogenic mutation, located in coding exon 15 of the BRCA2 gene, results from a deletion of 4 nucleotides at nucleotide positions 7655 to 7658, causing a translational frameshift with a predicted alternate stop codon (p.I2552Tfs*95). This alteration was identified in a Turkish family with early-onset breast cancer (Celik E et al. Clin Case Rep, 2018 Sep;6:1751-1755). This alteration was also identified in multiple studies of BRCA1/2 mutation positive families (Rebbeck TR et al. Hum Mutat, 2018 05;39:593-620; Bhaskaran SP et al. Int J Cancer, 2019 08;145:962-973). This variant is considered to be rare based on population cohorts in the Genome Aggregation Database (gnomAD). In addition to the clinical data presented in the literature, this alteration is expected to result in loss of function by premature protein truncation or nonsense-mediated mRNA decay. As such, this alteration is interpreted as a disease-causing mutation.

Quest Diagnostics Nichols Institute San Juan Capistrano
Classification: Pathogenic. Last evaluated: 2019-07-09. Review status: criteria provided, single submitter. Criteria: Quest Diagnostics criteria. Collection method: clinical testing. Allele origin: germline. Not counted in ClinVar's aggregate classification.
Comment: The variant results in a shift of the reading frame, and is therefore predicted to result in the loss of a functional protein. Found in at least one symptomatic patient, and not found in general population data.

GeneDx
Classification: Pathogenic. Last evaluated: 2016-08-31. Review status: criteria provided, single submitter. Criteria: GeneDx Variant Classification (06012015). Collection method: clinical testing. Allele origin: germline. Affected: yes. Not counted in ClinVar's aggregate classification.
Comment: This deletion of four nucleotides in BRCA2 is denoted c.7655_7658delTTAA at the cDNA level and p.Ile2552ThrfsX95 (I2552TfsX95) at the protein level. The normal sequence, with the bases that are deleted in braces, is TAAAAA[TTAA]CAGC. The deletion causes a frameshift which changes an Isoleucine to a Threonine at codon 2552, and creates a premature stop codon at position 95 of the new reading frame. This variant is predicted to cause loss of normal protein function through either protein truncation or nonsense-mediated mRNA decay. Also reported as BRCA2 7883delTTAA using alternate nomenclature, this variant has been observed in at least one individual with early-onset breast cancer (Zhi 2002). We consider this variant to be pathogenic.

Consortium of Investigators of Modifiers of BRCA1/2 (CIMBA), c/o University of Cambridge
Classification: Pathogenic for Breast-ovarian cancer, familial, susceptibility to, 2. Last evaluated: 2015-10-02. Review status: criteria provided, single submitter. Criteria: CIMBA Mutation Classification guidelines May 2016. Collection method: clinical testing. Allele origin: germline. Not counted in ClinVar's aggregate classification.

Research Molecular Genetics Laboratory, Women's College Hospital, University of Toronto
Classification: Pathogenic for Hereditary breast ovarian cancer syndrome. Last evaluated: 2014-01-31. Review status: no assertion criteria provided. Collection method: research. Allele origin: germline. Affected: yes. Study: The Canadian Open Genetics Repository (COGR). Not counted in ClinVar's aggregate classification.

Breast Cancer Information Core (BIC) (BRCA2)
Classification: Pathogenic for Breast-ovarian cancer, familial 2. Review status: no assertion criteria provided. Collection method: clinical testing. Allele origin: germline. Affected: yes. Observed: 1 variant allele. Not counted in ClinVar's aggregate classification.

Literature cited by the submitters: PubMed 20104584 (cited by Labcorp Genetics (formerly Invitae), Labcorp); PubMed 30214756 (cited by 3 submitters); PubMed 30702160 (cited by 3 submitters); PubMed 32658311 (cited by Labcorp Genetics (formerly Invitae), Labcorp); PubMed 29446198 (cited by Ambry Genetics and Quest Diagnostics Nichols Institute San Juan Capistrano); PubMed 25685387 (cited by Quest Diagnostics Nichols Institute San Juan Capistrano); PubMed 12442274 (cited by Quest Diagnostics Nichols Institute San Juan Capistrano).

NM_000059.4(BRCA2):c.7655_7658del (p.Ile2552fs)

Gene: BRCA2 (BRCA2 DNA repair associated; plus strand). Cytogenetic location: 13q13.1.
Variant type: Deletion.
Coding change: c.7655_7658del on transcript NM_000059.4 (MANE Select); coding-DNA positions 7655 to 7658, 4 bases deleted (TTAA; older notation c.7655_7658delTTAA).
Protein change: p.Ile2552fs; shifts the reading frame from isoleucine 2552.
Molecular consequence: frameshift variant.
Genome position (GRCh38, 1-based): chr13:32,357,779-32,357,782, TTAA deleted; deleting any 4 consecutive bases within chr13:32,357,777-32,357,782 gives the same sequence; the c. name uses the placement nearest the transcript's 3' end. VCF-style (leftmost placement, unchanged base first): chr13-32357776-AAATT-A. GRCh37 (hg19) VCF-style: chr13-32931913-AAATT-A.
Other names: 7883del4; c.7655_7658delTTAA (NM_000059.3).
Identifiers: ClinVar variation 52378 (VCV000052378.18), dbSNP rs80359669, ClinGen allele CA025214.